The following is an entry in ClinVar:

NM_003482.4(KMT2D):c.10416C>G (p.Asn3472Lys)

Gene: KMT2D (lysine methyltransferase 2D; minus strand). Cytogenetic location: 12q13.12.
Variant type: single nucleotide variant.
Coding change: c.10416C>G on transcript NM_003482.4 (MANE Select); coding-DNA position 10416, C replaced by G.
Protein change: p.Asn3472Lys; replaces asparagine 3472 with lysine.
Molecular consequence: missense variant.
Genome position (GRCh38, 1-based): chr12:49,034,606, G>C on the plus strand (C>G on the coding strand, the complement: KMT2D is on the minus strand). VCF-style: chr12-49034606-G-C. GRCh37 (hg19) VCF-style: chr12-49428389-G-C.
Other names: c.10416C>G (NM_003482.3); short protein forms N3472K.
Identifiers: ClinVar variation 1436008 (VCV001436008.11), dbSNP rs773424975, ClinGen allele CA6546518.

ClinVar aggregate classification (germline): Conflicting classifications of pathogenicity. Review status: criteria provided, conflicting classifications (1 of 4 stars). 4 submissions from 4 submitters: Uncertain significance (2); Benign (1); Likely benign (1). Last evaluated 2025-12-01.

Conditions:
Inborn genetic diseases. Identifiers: MedGen C0950123, MeSH D030342.
Kabuki syndrome. Also called: Kabuki make-up syndrome; NIIKAWA-KUROKI SYNDROME. Identifiers: Orphanet 2322, MedGen C0796004, MONDO:0016512.

Allele frequency attached by ClinVar (database versions not stated): gnomAD exomes below 0.00001 and 0.00001; gnomAD 0.00001; TOPMed 0.00001.

Submissions (4):

Labcorp Genetics (formerly Invitae), Labcorp
Classification: Benign for Kabuki syndrome. Last evaluated: 2025-12-01. Review status: criteria provided, single submitter. Criteria: Invitae Variant Classification Sherloc (09022015). Collection method: clinical testing. Allele origin: germline.

Women's Health and Genetics/Laboratory Corporation of America, LabCorp
Classification: Uncertain significance. Last evaluated: 2024-11-18. Review status: criteria provided, single submitter. Criteria: LabCorp Variant Classification Summary - May 2015. Collection method: clinical testing. Allele origin: germline.
Comment: Variant summary: KMT2D c.10416C>G (p.Asn3472Lys) results in a non-conservative amino acid change in the encoded protein sequence. Three of four in-silico tools predict a benign effect of the variant on protein function. The variant allele was found at a frequency of 8.1e-06 in 1606572 control chromosomes in the gnomAD database (v4.1 dataset). The occurrence in several carriers suggests that this variant is likely not associated with a high penetrance, severe, early onset disease phenotype in heterozygous state. To our knowledge, no occurrence of c.10416C>G in individuals affected with Kabuki Syndrome 1 and no experimental evidence demonstrating its impact on protein function have been reported. ClinVar contains an entry for this variant (Variation ID: 1436008). Based on the evidence outlined above, the variant was classified as VUS-possibly benign.

Blueprint Genetics
Classification: Likely benign. Last evaluated: 2022-07-17. Review status: criteria provided, single submitter. Criteria: ACMG Guidelines, 2015. Collection method: clinical testing. Allele origin: germline.

Ambry Genetics
Classification: Uncertain significance for Inborn genetic diseases. Last evaluated: 2021-11-23. Review status: criteria provided, single submitter. Criteria: Ambry Variant Classification Scheme 2023. Collection method: clinical testing. Allele origin: germline.